The following is an entry in ClinVar:

ClinVar aggregate classification (germline): Pathogenic/Likely pathogenic. Review status: criteria provided, multiple submitters, no conflicts (2 of 4 stars). 2 submissions from 2 submitters: Pathogenic (1); Likely pathogenic (1). Last evaluated 2025-04-30.

Conditions:
Charcot-Marie-Tooth disease axonal type 2X. Also called: CHARCOT-MARIE-TOOTH DISEASE, AXONAL, AUTOSOMAL RECESSIVE, TYPE 2X; CHARCOT-MARIE-TOOTH NEUROPATHY, TYPE 2X. Identifiers: Orphanet 466775, MedGen C5569024, MONDO:0014726, OMIM 616668.
Amyotrophic lateral sclerosis type 5 (ALS5). Also called: AMYOTROPHIC LATERAL SCLEROSIS 5, JUVENILE. Identifiers: Orphanet 300605, MedGen C1865864, MONDO:0011196, OMIM 602099.
Hereditary spastic paraplegia 11. Also called: Spastic Paraplegia 11; Nakamura Osame syndrome; Autosomal recessive hereditary spastic paraplegia, mental impairment, and thin corpus callosum; SPASTIC PARAPLEGIA, AUTOSOMAL RECESSIVE, COMPLICATED, WITH THIN CORPUS CALLOSUM; SPASTIC PARAPLEGIA, AUTOSOMAL RECESSIVE, WITH MENTAL IMPAIRMENT AND THIN CORPUS CALLOSUM; Spastic paraplegia, mental retardation and thin corpus callosum. Identifiers: Orphanet 2822, MedGen C1858479, MONDO:0011445, OMIM 604360.

Allele frequency attached by ClinVar (database versions not stated): gnomAD exomes 0.00001.
gnomAD v4.1: 8 of 1,613,788 alleles (0.0005%); highest among the groups gnomAD compares: Non-Finnish European, 0.00068%; no homozygotes.

Submissions (2):

First Genomix Gene Laboratory, Genetic Diagnostics Department
Classification: Likely pathogenic for Amyotrophic lateral sclerosis type 5; Charcot-Marie-Tooth disease axonal type 2X; Hereditary spastic paraplegia 11. Last evaluated: 2025-04-30. Review status: criteria provided, single submitter. Criteria: ACMG Guidelines, 2015. Collection method: clinical testing. Allele origin: germline. Inheritance: Autosomal recessive inheritance. Affected: no. Observed: 1 variant allele.

Labcorp Genetics (formerly Invitae), Labcorp
Classification: Pathogenic for Hereditary spastic paraplegia 11. Last evaluated: 2024-01-03. Review status: criteria provided, single submitter. Criteria: Invitae Variant Classification Sherloc (09022015). Collection method: clinical testing. Allele origin: germline.
Comment: This sequence change creates a premature translational stop signal (p.Gln364*) in the SPG11 gene. It is expected to result in an absent or disrupted protein product. Loss-of-function variants in SPG11 are known to be pathogenic (PMID: 19105190, 20110243, 22154821, 26556829). This variant is not present in population databases (gnomAD no frequency). This variant has not been reported in the literature in individuals affected with SPG11-related conditions. ClinVar contains an entry for this variant (Variation ID: 1453973). For these reasons, this variant has been classified as Pathogenic.

Literature cited by the submitters: PubMed 19105190 (cited by Labcorp Genetics (formerly Invitae), Labcorp); PubMed 20110243 (cited by Labcorp Genetics (formerly Invitae), Labcorp); PubMed 22154821 (cited by Labcorp Genetics (formerly Invitae), Labcorp); PubMed 26556829 (cited by Labcorp Genetics (formerly Invitae), Labcorp).

NM_025137.4(SPG11):c.1090C>T (p.Gln364Ter)

Gene: SPG11 (SPG11 vesicle trafficking associated, spatacsin; minus strand). Cytogenetic location: 15q21.1.
Variant type: single nucleotide variant.
Coding change: c.1090C>T on transcript NM_025137.4 (MANE Select); coding-DNA position 1090, C replaced by T.
Protein change: p.Gln364Ter; replaces glutamine 364 with a stop codon.
Molecular consequence: nonsense.
Genome position (GRCh38, 1-based): chr15:44,651,857, G>A on the plus strand (C>T on the coding strand, the complement: SPG11 is on the minus strand). VCF-style: chr15-44651857-G-A. GRCh37 (hg19) VCF-style: chr15-44944055-G-A.
Other names: c.1090C>T, p.Gln364Ter (NM_001160227.2); short protein forms Q364*.
Identifiers: ClinVar variation 1453973 (VCV001453973.7), dbSNP rs2141107140, ClinGen allele CA392236614.